The following is an entry in ClinVar:

ClinVar aggregate classification (germline): Uncertain significance. Review status: criteria provided, single submitter (1 of 4 stars). 2 submissions from 2 submitters: Uncertain significance (1). 1 of the submissions does not count toward it. Last evaluated 2024-10-17.

Conditions:
Neuronal ceroid lipofuscinosis 7 (CLN7). Also called: MFSD8-Related Neuronal Ceroid-Lipofuscinosis. Identifiers: Orphanet 168491, Orphanet 228366, MedGen C1838571, MONDO:0012588, OMIM 610951.
Late-infantile neuronal ceroid lipofuscinosis. Also called: Jansky-Bielschowsky disease. Identifiers: MedGen C0022340, MONDO:0015674.

Allele frequency attached by ClinVar (database versions not stated): gnomAD exomes below 0.00001 and 0.00002; ExAC 0.00001; gnomAD 0.00001; TOPMed 0.00002.
gnomAD v4.1: 25 of 1,604,936 alleles (0.0016%); highest among the groups gnomAD compares: Non-Finnish European, 0.0021%; no homozygotes.

Submissions (2):

Labcorp Genetics (formerly Invitae), Labcorp
Classification: Uncertain significance for Neuronal ceroid lipofuscinosis 7. Last evaluated: 2024-10-17. Review status: criteria provided, single submitter. Criteria: Invitae Variant Classification Sherloc (09022015). Collection method: clinical testing. Allele origin: germline.
Comment: This sequence change falls in intron 7 of the MFSD8 gene. It does not directly change the encoded amino acid sequence of the MFSD8 protein. This variant is present in population databases (rs751010275, gnomAD 0.002%). This variant has not been reported in the literature in individuals affected with MFSD8-related conditions. ClinVar contains an entry for this variant (Variation ID: 206170). Algorithms developed to predict the effect of sequence changes on RNA splicing suggest that this variant may disrupt the consensus splice site. In summary, the available evidence is currently insufficient to determine the role of this variant in disease. Therefore, it has been classified as a Variant of Uncertain Significance.

Natera, Inc.
Classification: Uncertain significance for Late-infantile neuronal ceroid lipofuscinosis. Last evaluated: 2020-11-17. Review status: no assertion criteria provided. Collection method: clinical testing. Allele origin: germline. Not counted in ClinVar's aggregate classification.

NM_001371596.2(MFSD8):c.699-5T>G

Gene: MFSD8 (major facilitator superfamily domain containing 8; minus strand). Cytogenetic location: 4q28.2.
Variant type: single nucleotide variant.
Coding change: c.699-5T>G on transcript NM_001371596.2 (MANE Select); 5 bases into the intron before coding-DNA position 699, T replaced by G.
Molecular consequence: intron variant.
Genome position (GRCh38, 1-based): chr4:127,938,843, A>C on the plus strand (T>G on the coding strand, the complement: MFSD8 is on the minus strand). VCF-style: chr4-127938843-A-C. GRCh37 (hg19) VCF-style: chr4-128859998-A-C.
Other names: c.553+3202T>G (NM_001363520.3); c.554-7T>G (NM_001371594.2); c.699-5T>G (NM_001371591.2, NM_152778.4); c.705-5T>G (NM_001371592.2); c.419-7T>G (NM_001371595.1); c.304+4909T>G (NM_001410765.1); c.564-5T>G (NM_001371590.2); c.439+4909T>G (NM_001363521.3); and 1 more.
Identifiers: ClinVar variation 206170 (VCV000206170.8), dbSNP rs751010275, ClinGen allele CA316000.